The following is an entry in ClinVar:

ClinVar aggregate classification (germline): Uncertain significance (1 of 4 stars; one submission).

Conditions:
Imerslund-Grasbeck syndrome. Also called: Megaloblastic anemia due to inborn errors of metabolism; ENTEROCYTE COBALAMIN MALABSORPTION; ENTEROCYTE INTRINSIC FACTOR RECEPTOR, DEFECT OF; Imerslund-Gräsbeck syndrome; PERNICIOUS ANEMIA, JUVENILE, DUE TO SELECTIVE INTESTINAL MALABSORPTION OF VITAMIN B12, WITH PROTEINURIA. Identifiers: Orphanet 35858, MedGen C4551825, MONDO:0009853.

gnomAD v4.1: 8 of 1,614,190 alleles (0.0005%); highest among the groups gnomAD compares: Admixed American, 0.01%; no homozygotes.

Submission:

Labcorp Genetics (formerly Invitae), Labcorp
Classification: Uncertain significance for Imerslund-Grasbeck syndrome. Last evaluated: 2023-10-03. Review status: criteria provided, single submitter. Criteria: Invitae Variant Classification Sherloc (09022015). Collection method: clinical testing. Allele origin: germline.
Comment: This sequence change replaces alanine, which is neutral and non-polar, with proline, which is neutral and non-polar, at codon 335 of the CUBN protein (p.Ala335Pro). This variant is present in population databases (rs57335729, gnomAD 0.02%). This variant has not been reported in the literature in individuals affected with CUBN-related conditions. ClinVar contains an entry for this variant (Variation ID: 2055352). Advanced modeling of protein sequence and biophysical properties (such as structural, functional, and spatial information, amino acid conservation, physicochemical variation, residue mobility, and thermodynamic stability) performed at Invitae indicates that this missense variant is not expected to disrupt CUBN protein function. In summary, the available evidence is currently insufficient to determine the role of this variant in disease. Therefore, it has been classified as a Variant of Uncertain Significance.

NM_001081.4(CUBN):c.1003G>C (p.Ala335Pro)

Gene: CUBN (cubilin; minus strand). Cytogenetic location: 10p13.
Variant type: single nucleotide variant.
Coding change: c.1003G>C on transcript NM_001081.4 (MANE Select); coding-DNA position 1003, G replaced by C.
Protein change: p.Ala335Pro; replaces alanine 335 with proline.
Molecular consequence: missense variant.
Genome position (GRCh38, 1-based): chr10:17,110,931, C>G on the plus strand (G>C on the coding strand, the complement: CUBN is on the minus strand). VCF-style: chr10-17110931-C-G. GRCh37 (hg19) VCF-style: chr10-17152930-C-G.
Other names: short protein forms A335P.
Identifiers: ClinVar variation 2055352 (VCV002055352.3), dbSNP rs57335729, ClinGen allele CA5425455.